The following is an entry in ClinVar:

NM_198578.4(LRRK2):c.1100A>T (p.Gln367Leu)

Gene: LRRK2 (leucine rich repeat kinase 2; plus strand). Cytogenetic location: 12q12.
Variant type: single nucleotide variant.
Coding change: c.1100A>T on transcript NM_198578.4 (MANE Select); coding-DNA position 1100, A replaced by T.
Protein change: p.Gln367Leu; replaces glutamine 367 with leucine.
Molecular consequence: missense variant.
Genome position (GRCh38, 1-based): chr12:40,251,373, A>T. VCF-style: chr12-40251373-A-T. GRCh37 (hg19) VCF-style: chr12-40645175-A-T.
Other names: short protein forms Q367L.
Identifiers: ClinVar variation 3229499 (VCV003229499.1), dbSNP rs1231769673, ClinGen allele CA384408015.

ClinVar aggregate classification (germline): Uncertain significance (1 of 4 stars; one submission).

Conditions:
Inborn genetic diseases. Identifiers: MedGen C0950123, MeSH D030342.

Allele frequency attached by ClinVar (database versions not stated): gnomAD 0.00001.
gnomAD v4.1: 1 of 1,613,870 alleles (0.000062%); highest among the groups gnomAD compares: African/African-American, 0.0013%; no homozygotes.

Submission:

Ambry Genetics
Classification: Uncertain significance for Inborn genetic diseases. Last evaluated: 2024-01-03. Review status: criteria provided, single submitter. Criteria: Ambry Variant Classification Scheme 2023. Collection method: clinical testing. Allele origin: germline.
Comment: The p.Q367L variant (also known as c.1100A>T), located in coding exon 9 of the LRRK2 gene, results from an A to T substitution at nucleotide position 1100. The glutamine at codon 367 is replaced by leucine, an amino acid with dissimilar properties. This amino acid position is conserved. In addition, the in silico prediction for this alteration is inconclusive. Since supporting evidence is limited at this time, the clinical significance of this alteration remains unclear.